The following is an entry in ClinVar:

NM_033028.5(BBS4):c.6T>A (p.Ala2=)

Gene: BBS4 (Bardet-Biedl syndrome 4; plus strand). Cytogenetic location: 15q24.1.
Variant type: single nucleotide variant.
Coding change: c.6T>A on transcript NM_033028.5 (MANE Select); coding-DNA position 6, T replaced by A.
Protein change: p.Ala2=; no amino-acid change (alanine 2 retained).
Molecular consequence: synonymous variant. On other transcripts: 5 prime UTR variant (1), non-coding transcript variant (2).
Genome position (GRCh38, 1-based): chr15:72,686,233, T>A. VCF-style: chr15-72686233-T-A. GRCh37 (hg19) VCF-style: chr15-72978574-T-A.
Other names: c.-464T>A (NM_001252678.2); c.6T>A, p.Ala2= (NM_001320665.2); c.6T>A (NM_033028.4).
Identifiers: ClinVar variation 1128198 (VCV001128198.12), dbSNP rs954863260, ClinGen allele CA272613058.

ClinVar aggregate classification (germline): Likely benign. Review status: criteria provided, multiple submitters, no conflicts (2 of 4 stars). 3 submissions from 3 submitters: Likely benign (2). 1 of the submissions does not count toward it. Last evaluated 2025-11-06.

Conditions:
BBS4-related disorder. Also called: BBS4-related condition.
Bardet-Biedl syndrome (BBS). Identifiers: Orphanet 110, MedGen C0752166, MONDO:0015229.

Allele frequency attached by ClinVar (database versions not stated): gnomAD exomes 0.00001; TOPMed 0.00003; gnomAD 0.00004.
gnomAD v4.1: 26 of 1,565,494 alleles (0.0017%); highest among the groups gnomAD compares: Middle Eastern, 0.02%; no homozygotes.

Submissions (3):

Labcorp Genetics (formerly Invitae), Labcorp
Classification: Likely benign for Bardet-Biedl syndrome. Last evaluated: 2025-11-06. Review status: criteria provided, single submitter. Criteria: Invitae Variant Classification Sherloc (09022015). Collection method: clinical testing. Allele origin: germline.

Blueprint Genetics
Classification: Likely benign. Last evaluated: 2024-06-05. Review status: criteria provided, single submitter. Criteria: ACMG Guidelines, 2015. Collection method: clinical testing. Allele origin: germline.

PreventionGenetics, part of Exact Sciences
Classification: Likely benign for BBS4-related condition. Last evaluated: 2021-11-04. Review status: no assertion criteria provided. Collection method: clinical testing. Allele origin: germline. Not counted in ClinVar's aggregate classification.
Comment: This variant is classified as likely benign based on ACMG/AMP sequence variant interpretation guidelines (Richards et al. 2015 PMID: 25741868, with internal and published modifications).